The following is an entry in ClinVar:

NM_001039213.4(CEACAM16):c.96C>T (p.Ser32=)

Genes: CEACAM16 (CEA cell adhesion molecule 16, tectorial membrane component; plus strand), CEACAM16-AS1 (CEACAM16, CEACAM19 and PVR antisense RNA 1; minus strand). Cytogenetic location: 19q13.32.
Variant type: single nucleotide variant.
Coding change: c.96C>T on transcript NM_001039213.4 (MANE Select); coding-DNA position 96, C replaced by T.
Protein change: p.Ser32=; no amino-acid change (serine 32 retained).
Molecular consequence: synonymous variant.
Genome position (GRCh38, 1-based): chr19:44,703,407, C>T. VCF-style: chr19-44703407-C-T. GRCh37 (hg19) VCF-style: chr19-45206677-C-T.
Identifiers: ClinVar variation 226512 (VCV000226512.37), dbSNP rs191552868, ClinGen allele CA9502949.

ClinVar aggregate classification (germline): Benign/Likely benign. Review status: criteria provided, multiple submitters, no conflicts (2 of 4 stars). 6 submissions from 6 submitters: Benign (4); Likely benign (2). Last evaluated 2026-04-01.

Allele frequency attached by ClinVar (database versions not stated): ESP Exome Variant Server 0.00097; gnomAD 0.00178 and 0.00183; ExAC 0.00193; gnomAD exomes 0.00198; TOPMed 0.00266; 1000 Genomes Project 30x 0.00297; 1000 Genomes Project 0.00339.
gnomAD v4.1: 2,611 of 1,613,780 alleles (0.16%); highest among the groups gnomAD compares: Admixed American, 0.92%; 8 homozygotes.

Submissions (6):

CeGaT Center for Human Genetics Tuebingen
Classification: Likely benign. Last evaluated: 2026-04-01. Review status: criteria provided, single submitter. Criteria: CeGaT Center For Human Genetics Tuebingen Variant Classification Criteria Version 2. Collection method: clinical testing. Allele origin: germline. Affected: yes. Observed: 4 variant alleles.
Comment: CEACAM16: BP4, BP7

Blueprint Genetics
Classification: Likely benign. Last evaluated: 2024-11-25. Review status: criteria provided, single submitter. Criteria: ACMG Guidelines, 2015. Collection method: clinical testing. Allele origin: germline.

Labcorp Genetics (formerly Invitae), Labcorp
Classification: Benign. Last evaluated: 2024-11-11. Review status: criteria provided, single submitter. Criteria: Invitae Variant Classification Sherloc (09022015). Collection method: clinical testing. Allele origin: germline.

GeneDx
Classification: Benign. Last evaluated: 2020-05-30. Review status: criteria provided, single submitter. Criteria: GeneDx Variant Classification Process June 2021. Collection method: clinical testing. Allele origin: germline. Affected: yes.

Laboratory for Molecular Medicine, Mass General Brigham Personalized Medicine
Classification: Benign. Last evaluated: 2014-11-24. Review status: criteria provided, single submitter. Criteria: LMM Criteria. Collection method: clinical testing. Allele origin: germline. Observed: 5 variant alleles.
Comment: Ser32Ser in exon 3 of CEACAM16: This variant is not expected to have clinical si gnificance because it does not alter an amino acid residue and is not located wi thin the splice consensus sequence. It has been identified in 1.7% (6/362) of mi xed American chromosomes from a broad population by the 1000 Genomes Project (dbSNP rs191552868).

Breakthrough Genomics
Classification: Benign. Review status: criteria provided, single submitter. Criteria: ACMG Guidelines, 2015. Collection method: not provided. Allele origin: germline. Inheritance: Autosomal recessive inheritance. Affected: yes.